The following is an entry in ClinVar:

NM_000093.5(COL5A1):c.257CCA[1] (p.Thr87del)

Gene: COL5A1 (collagen type V alpha 1 chain; plus strand). Cytogenetic location: 9q34.3.
Variant type: Microsatellite.
Coding change: c.257CCA[1] on transcript NM_000093.5 (MANE Select); one copy of the 3-base unit CCA starting at c.257; the reference has two copies in a row; one copy, 3 bases deleted.
Protein change: p.Thr87del; deletes threonine 87.
Molecular consequence: inframe deletion.
Genome position (GRCh38, 1-based): chr9:134,691,062-134,691,064, CCA deleted; deleting any 3 consecutive bases within chr9:134,691,059-134,691,064 gives the same sequence; the position shown is the placement nearest the transcript's 3' end. VCF-style (leftmost placement, unchanged base first): chr9-134691058-CCCA-C. GRCh37 (hg19) VCF-style: chr9-137582904-CCCA-C.
Other names: c.257CCA[1], p.Thr87del (NM_001278074.1); short protein forms T87del.
Identifiers: ClinVar variation 1372495 (VCV001372495.6), dbSNP rs2132551178, ClinGen allele CA2580617138.
Genomic context (GRCh38, chr9:134,691,058, plus strand): 5'-CGATCTTCCAAAGGCCCGGATGTCGCTTACAGAGTCACCAAAGACGCGCAGCTCAGCGCA[CCCA>C]CCAAGCAGCTGTACCCTGGTAAGTGCCGCACCCTTCTGTTTGGGGCGGTGGGTCCCGTTG-3'

ClinVar aggregate classification (germline): Uncertain significance (1 of 4 stars; one submission).

Conditions:
Ehlers-Danlos syndrome, classic type, 1 (EDSCL1). Also called: EHLERS-DANLOS SYNDROME, GRAVIS TYPE; EHLERS-DANLOS SYNDROME, SEVERE CLASSIC TYPE; Ehlers-Danlos syndrome, type 1; EDS I; Ehlers-Danlos Syndrome, Classic Type, COL5A1-Related. Identifiers: MedGen C0268335, MONDO:0019567, OMIM 130000.

Submission:

Labcorp Genetics (formerly Invitae), Labcorp
Classification: Uncertain significance for Ehlers-Danlos syndrome, classic type, 1. Last evaluated: 2021-09-30. Review status: criteria provided, single submitter. Criteria: Invitae Variant Classification Sherloc (09022015). Collection method: clinical testing. Allele origin: germline.
Comment: This variant, c.260_262del, results in the deletion of 1 amino acid(s) of the COL5A1 protein (p.Thr87del), but otherwise preserves the integrity of the reading frame. This variant is not present in population databases (ExAC no frequency). This variant has not been reported in the literature in individuals affected with COL5A1-related conditions. Experimental studies and prediction algorithms are not available or were not evaluated, and the functional significance of this variant is currently unknown. In summary, the available evidence is currently insufficient to determine the role of this variant in disease. Therefore, it has been classified as a Variant of Uncertain Significance.